The following is an entry in ClinVar:

ClinVar aggregate classification (germline): Uncertain significance (0 of 4 stars; one submission).

Conditions:
ADCY3-related disorder. Also called: ADCY3-related condition.

Submission:

PreventionGenetics, part of Exact Sciences
Classification: Uncertain significance for ADCY3-related condition. Last evaluated: 2024-04-16. Review status: no assertion criteria provided. Collection method: clinical testing. Allele origin: germline.
Comment: The ADCY3 c.3334_3339dup6 variant is predicted to result in an in-frame duplication (p.Lys1112_Gly1113dup). To our knowledge, this variant has not been reported in the literature or in a large population database, indicating this variant is rare. At this time, the clinical significance of this variant is uncertain due to the absence of conclusive functional and genetic evidence.

NM_004036.5(ADCY3):c.3325AAGGGG[3] (p.Gly1112_Glu1113insLysGly)

Genes: ADCY3 (adenylate cyclase 3; minus strand), CENPO (centromere protein O; plus strand). Cytogenetic location: 2p23.3.
Variant type: Microsatellite.
Coding change: c.3325AAGGGG[3] on transcript NM_004036.5 (MANE Select); three copies in a row of the 6-base unit AAGGGG starting at c.3325; the reference has two copies in a row; one copy, 6 bases duplicated.
Protein change: p.Gly1112_Glu1113insLysGly.
Molecular consequence: inframe insertion. On other transcripts: 3 prime UTR variant (4), non-coding transcript variant (3).
Genome position (GRCh38, 1-based): chr2:24,820,031-24,820,036, CCCCTT duplicated on the plus strand (AAGGGG on the coding strand, the reverse complement: ADCY3 is on the minus strand); duplicating any 6 consecutive bases within chr2:24,820,031-24,820,043 gives the same sequence; the position shown is the placement nearest the transcript's 3' end. VCF-style (leftmost placement, unchanged base first): chr2-24820030-C-CCCCCTT. GRCh37 (hg19) VCF-style: chr2-25042899-C-CCCCCTT.
Other names: c.3328AAGGGG[3], p.Gly1113_Glu1114insLysGly (NM_001320613.2); c.3391AAGGGG[3], p.Gly1134_Glu1135insLysGly (NM_001377128.1); c.3187AAGGGG[3], p.Gly1066_Glu1067insLysGly (NM_001377129.1); c.*66AAGGGG[3] (NM_001377130.1); c.2602AAGGGG[3], p.Gly871_Glu872insLysGly (NM_001377131.1); c.3325AAGGGG[3], p.Gly1112_Glu1113insLysGly (NM_001377132.1); c.*714CCCTTC[3] (NM_001199803.3, NM_001322101.2, NM_024322.4).
Identifiers: ClinVar variation 3353384 (VCV003353384.1).